The following is an entry in ClinVar:

ClinVar aggregate classification (germline): Uncertain significance (1 of 4 stars; one submission).

Allele frequency attached by ClinVar (database versions not stated): gnomAD 0.00004; ExAC 0.00012; TOPMed 0.00001.
gnomAD v4.1: 75 of 1,613,980 alleles (0.0046%); highest among the groups gnomAD compares: Non-Finnish European, 0.0028%; no homozygotes.

Submission:

Labcorp Genetics (formerly Invitae), Labcorp
Classification: Uncertain significance. Last evaluated: 2026-01-12. Review status: criteria provided, single submitter. Criteria: Invitae Variant Classification Sherloc (09022015). Collection method: clinical testing. Allele origin: germline.
Comment: This sequence change replaces isoleucine, which is neutral and non-polar, with valine, which is neutral and non-polar, at codon 189 of the LARS protein (p.Ile189Val). This variant is present in population databases (rs199808937, gnomAD 0.06%). This variant has not been reported in the literature in individuals affected with LARS-related conditions. ClinVar contains an entry for this variant (Variation ID: 2969698). Invitae Evidence Modeling of protein sequence and biophysical properties (such as structural, functional, and spatial information, amino acid conservation, physicochemical variation, residue mobility, and thermodynamic stability) indicates that this missense variant is not expected to disrupt LARS protein function with a negative predictive value of 80%. In summary, the available evidence is currently insufficient to determine the role of this variant in disease. Therefore, it has been classified as a Variant of Uncertain Significance.

NM_020117.11(LARS1):c.565A>G (p.Ile189Val)

Gene: LARS1 (leucyl-tRNA synthetase 1; minus strand). Cytogenetic location: 5q32.
Variant type: single nucleotide variant.
Coding change: c.565A>G on transcript NM_020117.11 (MANE Select); coding-DNA position 565, A replaced by G.
Protein change: p.Ile189Val; replaces isoleucine 189 with valine.
Molecular consequence: missense variant.
Genome position (GRCh38, 1-based): chr5:146,164,339, T>C on the plus strand (A>G on the coding strand, the complement: LARS1 is on the minus strand). VCF-style: chr5-146164339-T-C. GRCh37 (hg19) VCF-style: chr5-145543902-T-C.
Other names: c.427A>G, p.Ile143Val (NM_001317964.2); c.403A>G, p.Ile135Val (NM_001317965.2); c.484A>G, p.Ile162Val (NM_016460.4); short protein forms I135V, I162V, I189V, I143V.
Identifiers: ClinVar variation 2969698 (VCV002969698.2), dbSNP rs199808937, ClinGen allele CA3489907.